The following is an entry in ClinVar:

NM_000548.5(TSC2):c.694C>T (p.Pro232Ser)

Gene: TSC2 (TSC complex subunit 2; plus strand). Cytogenetic location: 16p13.3.
Variant type: single nucleotide variant.
Coding change: c.694C>T on transcript NM_000548.5 (MANE Select); coding-DNA position 694, C replaced by T.
Protein change: p.Pro232Ser; replaces proline 232 with serine.
Molecular consequence: missense variant.
Genome position (GRCh38, 1-based): chr16:2,056,689, C>T. VCF-style: chr16-2056689-C-T. GRCh37 (hg19) VCF-style: chr16-2106690-C-T.
Other names: c.694C>T, p.Pro232Ser (NM_001077183.3, NM_001114382.3, NM_001363528.2 and 3 more transcripts); c.583C>T, p.Pro195Ser (NM_001318827.2); c.547C>T, p.Pro183Ser (NM_001318829.2); c.94C>T, p.Pro32Ser (NM_001318831.2); c.727C>T, p.Pro243Ser (NM_001318832.2); short protein forms P232S, P183S, P243S, P32S, P195S.
Identifiers: ClinVar variation 406031 (VCV000406031.13), dbSNP rs751846529, ClinGen allele CA056156.

ClinVar aggregate classification (germline): Conflicting classifications of pathogenicity. Review status: criteria provided, conflicting classifications (1 of 4 stars). 3 submissions from 3 submitters: Uncertain significance (2); Likely benign (1). Last evaluated 2025-09-09.

Conditions:
Hereditary cancer-predisposing syndrome. Also called: Tumor predisposition; Neoplastic Syndromes, Hereditary; Hereditary Cancer Syndrome; Hereditary neoplastic syndrome. Identifiers: Orphanet 140162, MedGen C0027672, MeSH D009386, MONDO:0015356.
Tuberous sclerosis 2 (TSC2). Identifiers: Orphanet 805, MedGen C1860707, MONDO:0013199, OMIM 613254.

Allele frequency attached by ClinVar (database versions not stated): gnomAD exomes below 0.00001 and 0.00001; TOPMed below 0.00001; ExAC 0.00001.

Submissions (3):

Quest Diagnostics Nichols Institute San Juan Capistrano
Classification: Uncertain significance. Last evaluated: 2025-09-09. Review status: criteria provided, single submitter. Criteria: Quest Diagnostics criteria. Collection method: clinical testing. Allele origin: unknown.

Ambry Genetics
Classification: Uncertain significance for Hereditary cancer-predisposing syndrome. Last evaluated: 2023-11-16. Review status: criteria provided, single submitter. Criteria: Ambry Variant Classification Scheme 2023. Collection method: clinical testing. Allele origin: germline.
Comment: The p.P232S variant (also known as c.694C>T), located in coding exon 7 of the TSC2 gene, results from a C to T substitution at nucleotide position 694. The proline at codon 232 is replaced by serine, an amino acid with similar properties. This amino acid position is highly conserved in available vertebrate species. In addition, this alteration is predicted to be deleterious by in silico analysis. Since supporting evidence is limited at this time, the clinical significance of this alteration remains unclear.

Labcorp Genetics (formerly Invitae), Labcorp
Classification: Likely benign for Tuberous sclerosis 2. Last evaluated: 2022-11-15. Review status: criteria provided, single submitter. Criteria: Invitae Variant Classification Sherloc (09022015). Collection method: clinical testing. Allele origin: germline.